The following is an entry in ClinVar:

NM_000435.3(NOTCH3):c.6573G>A (p.Pro2191=)

Gene: NOTCH3 (notch receptor 3; minus strand). Cytogenetic location: 19p13.12.
Variant type: single nucleotide variant.
Coding change: c.6573G>A on transcript NM_000435.3 (MANE Select); coding-DNA position 6573, G replaced by A.
Protein change: p.Pro2191=; no amino-acid change (proline 2191 retained).
Molecular consequence: synonymous variant.
Genome position (GRCh38, 1-based): chr19:15,161,055, C>T on the plus strand (G>A on the coding strand, the complement: NOTCH3 is on the minus strand). VCF-style: chr19-15161055-C-T. GRCh37 (hg19) VCF-style: chr19-15271866-C-T.
Other names: p.Pro2191=.
Identifiers: ClinVar variation 447866 (VCV000447866.5), dbSNP rs576653145, ClinGen allele CA9262352.
Genomic context (GRCh38, chr19:15,161,055, plus strand): 5'-GTAAGGCGGGGGCCGCTCCTGCGGGGAGACGGGGGTCCCTGGGTTGAGCAGCTGGGGTCC[C>T]GGCGCCAGTGGCAGCAGGAACGAGGGGCCTGGAGGGGCAGGTGGGGGCAGCCGGGCCCAA-3'
Protein context (NP_000426.2, residues 2181-2201): PGPSFLLPLA[Pro2191=]GPQLLNPGTP

ClinVar aggregate classification (germline): Benign/Likely benign. Review status: criteria provided, multiple submitters, no conflicts (2 of 4 stars). 4 submissions from 4 submitters: Benign (1); Likely benign (3). Last evaluated 2025-04-07.

Allele frequency attached by ClinVar (database versions not stated): gnomAD 0.00024 and 0.00025; TOPMed 0.00031; gnomAD exomes 0.00006; ExAC 0.00007; 1000 Genomes Project 0.00040; 1000 Genomes Project 30x 0.00047.
gnomAD v4.1: 92 of 1,538,444 alleles (0.006%); highest among the groups gnomAD compares: African/African-American, 0.094%; no homozygotes.

Submissions (4):

Mayo Clinic Laboratories, Mayo Clinic
Classification: Likely benign. Last evaluated: 2025-04-07. Review status: criteria provided, single submitter. Criteria: ACMG Guidelines, 2015. Collection method: clinical testing. Allele origin: germline. Observed: 1 variant allele.
Comment: BS1, BP4, BP7

Labcorp Genetics (formerly Invitae), Labcorp
Classification: Likely benign. Last evaluated: 2025-03-23. Review status: criteria provided, single submitter. Criteria: Invitae Variant Classification Sherloc (09022015). Collection method: clinical testing. Allele origin: germline.

Blueprint Genetics
Classification: Likely benign. Last evaluated: 2023-12-28. Review status: criteria provided, single submitter. Criteria: ACMG Guidelines, 2015. Collection method: clinical testing. Allele origin: germline.

Athena Diagnostics
Classification: Benign. Last evaluated: 2017-06-28. Review status: criteria provided, single submitter. Criteria: Athena Diagnostics Criteria. Collection method: clinical testing. Allele origin: germline.